The following is an entry in ClinVar:

NM_007192.4(SUPT16H):c.51G>A (p.Leu17=)

Gene: SUPT16H (SPT16 homolog, facilitates chromatin remodeling subunit; minus strand). Cytogenetic location: 14q11.2.
Variant type: single nucleotide variant.
Coding change: c.51G>A on transcript NM_007192.4 (MANE Select); coding-DNA position 51, G replaced by A.
Protein change: p.Leu17=; no amino-acid change (leucine 17 retained).
Molecular consequence: synonymous variant.
Genome position (GRCh38, 1-based): chr14:21,383,877, C>T on the plus strand (G>A on the coding strand, the complement: SUPT16H is on the minus strand). VCF-style: chr14-21383877-C-T. GRCh37 (hg19) VCF-style: chr14-21852036-C-T.
Identifiers: ClinVar variation 3055068 (VCV003055068.2), dbSNP rs199520224, ClinGen allele CA7090493.

ClinVar aggregate classification (germline): Likely benign (0 of 4 stars; one submission).

Conditions:
SUPT16H-related disorder. Also called: SUPT16H-related condition.

Allele frequency attached by ClinVar (database versions not stated): ExAC 0.00003; gnomAD 0.00011; TOPMed 0.00013; 1000 Genomes Project 0.00020; 1000 Genomes Project 30x 0.00031.
gnomAD v4.1: 44 of 1,613,820 alleles (0.0027%); highest among the groups gnomAD compares: African/African-American, 0.047%; no homozygotes.

Submission:

PreventionGenetics, part of Exact Sciences
Classification: Likely benign for SUPT16H-related condition. Last evaluated: 2020-04-29. Review status: no assertion criteria provided. Collection method: clinical testing. Allele origin: germline.
Comment: This variant is classified as likely benign based on ACMG/AMP sequence variant interpretation guidelines (Richards et al. 2015 PMID: 25741868, with internal and published modifications).